The following is an entry in ClinVar:

ClinVar aggregate classification (germline): Uncertain significance. Review status: criteria provided, multiple submitters, no conflicts (2 of 4 stars). 2 submissions from 2 submitters: Uncertain significance (2). Last evaluated 2025-11-19.

Conditions:
Endometrial carcinoma. Also called: Endometrial carcinoma, somatic. Identifiers: MedGen C0476089, MONDO:0002447, OMIM 608089, HP:0012114.
Colorectal cancer, hereditary nonpolyposis, type 7. Identifiers: Orphanet 144, MedGen C1858380, MONDO:0013725, OMIM 614385.
Colorectal cancer. Also called: Colorectal cancer, somatic; Malignant Colorectal Neoplasm. Identifiers: MedGen C0346629, MONDO:0005575, OMIM 114500.

Allele frequency attached by ClinVar (database versions not stated): gnomAD 0.00001; gnomAD exomes below 0.00001; TOPMed 0.00001; ExAC 0.00002; ESP Exome Variant Server 0.00008.
gnomAD v4.1: 3 of 1,613,942 alleles (0.00019%); highest among the groups gnomAD compares: African/African-American, 0.004%; no homozygotes.

Submissions (2):

Ambry Genetics
Classification: Uncertain significance. Last evaluated: 2025-11-19. Review status: criteria provided, single submitter. Criteria: Ambry Variant Classification Scheme 2023. Collection method: clinical testing. Allele origin: germline.
Comment: The p.E684D variant (also known as c.2052G>C), located in coding exon 1 of the MLH3 gene, results from a G to C substitution at nucleotide position 2052. The glutamic acid at codon 684 is replaced by aspartic acid, an amino acid with highly similar properties. This amino acid position is conserved. In addition, this alteration is predicted to be tolerated by in silico analysis. Since supporting evidence is limited at this time, the clinical significance of this alteration remains unclear.

Fulgent Genetics
Classification: Uncertain significance for Colorectal cancer; Endometrial carcinoma; Colorectal cancer, hereditary nonpolyposis, type 7. Last evaluated: 2024-06-18. Review status: criteria provided, single submitter. Criteria: ACMG Guidelines, 2015. Collection method: clinical testing. Allele origin: germline.

NM_001040108.2(MLH3):c.2052G>C (p.Glu684Asp)

Gene: MLH3 (mutL homolog 3; minus strand). Cytogenetic location: 14q24.3.
Variant type: single nucleotide variant.
Coding change: c.2052G>C on transcript NM_001040108.2 (MANE Select); coding-DNA position 2052, G replaced by C.
Protein change: p.Glu684Asp; replaces glutamic acid 684 with aspartic acid.
Molecular consequence: missense variant.
Genome position (GRCh38, 1-based): chr14:75,047,604, C>G on the plus strand (G>C on the coding strand, the complement: MLH3 is on the minus strand). VCF-style: chr14-75047604-C-G. GRCh37 (hg19) VCF-style: chr14-75514307-C-G.
Other names: c.2052G>C, p.Glu684Asp (NM_014381.3); short protein forms E684D.
Identifiers: ClinVar variation 1785097 (VCV001785097.4), dbSNP rs371344328, ClinGen allele CA7275769.